The following is an entry in ClinVar:

ClinVar aggregate classification (germline): Conflicting classifications of pathogenicity. Review status: criteria provided, conflicting classifications (1 of 4 stars). 10 submissions from 10 submitters: Uncertain significance (4); Likely benign (1). 5 of the submissions do not count toward it. Last evaluated 2025-08-06.

Conditions:
Bardet-Biedl syndrome 14 (BBS14). Identifiers: Orphanet 110, MedGen C2673874, MONDO:0014442, OMIM 615991.
Joubert syndrome 5 (JBTS5). Identifiers: Orphanet 2318, MedGen C1857780, MONDO:0012432, OMIM 610188.
Senior-Loken syndrome 6 (SLSN6). Identifiers: Orphanet 3156, MedGen C1857779, MONDO:0012433, OMIM 610189.
Meckel syndrome, type 4 (MKS4). Also called: MECKEL-GRUBER SYNDROME, TYPE 4. Identifiers: Orphanet 564, MedGen C1970161, MONDO:0012626, OMIM 611134.
Leber congenital amaurosis 10 (LCA10). Identifiers: Orphanet 65, MedGen C1857821, MONDO:0012723, OMIM 611755.
CEP290-related disorder. Also called: CEP290-related condition; CEP290-related disorders. Identifiers: MedGen CN239314.
Nephronophthisis. Also called: Juvenile Nephronophthisis. Identifiers: Orphanet 655, MedGen C0687120, MONDO:0019005, HP:0000090.
Meckel-Gruber syndrome. Also called: GRUBER SYNDROME; Dysencephalia splachnocystica; DYSENCEPHALIA SPLANCHNOCYSTICA. Identifiers: Orphanet 564, MedGen C0265215, MONDO:0018921.
Joubert syndrome. Also called: Familial aplasia of the vermis; JOUBERT-BOLTSHAUSER SYNDROME. Identifiers: Orphanet 475, MedGen C5979921, MONDO:0018772.
Optic atrophy. Identifiers: MedGen C0029124, MONDO:0003608, HP:0000648.
Leber congenital amaurosis (LCA). Also called: Leber's amaurosis. Identifiers: Orphanet 65, MedGen C0339527, MeSH D057130, MONDO:0018998.
Intellectual disability. Also called: Intellectual developmental disorder; Intellectual functioning disability; intellectual disabilities. Identifiers: MedGen C3714756, MeSH D008607, MONDO:0001071, HP:0001249.

Allele frequency attached by ClinVar (database versions not stated): TOPMed 0.00018; gnomAD 0.00023 and 0.00030; gnomAD exomes 0.00023 and 0.00027; ESP Exome Variant Server 0.00025; 1000 Genomes Project 30x 0.00031; ExAC 0.00037; 1000 Genomes Project 0.00040.
gnomAD v4.1: 374 of 1,605,624 alleles (0.023%); highest among the groups gnomAD compares: South Asian, 0.14%; 2 homozygotes.

Submissions (10):

PreventionGenetics, part of Exact Sciences
Classification: Likely benign for CEP290-related condition. Last evaluated: 2025-08-06. Review status: criteria provided, single submitter. Criteria: ACMG Guidelines, 2015. Collection method: clinical testing. Allele origin: germline.
Comment: This variant is classified as likely benign based on ACMG/AMP sequence variant interpretation guidelines (Richards et al. 2015 PMID: 25741868, with internal and published modifications).

Labcorp Genetics (formerly Invitae), Labcorp
Classification: Uncertain significance for Joubert syndrome; Meckel-Gruber syndrome; Nephronophthisis. Last evaluated: 2025-01-06. Review status: criteria provided, single submitter. Criteria: Invitae Variant Classification Sherloc (09022015). Collection method: clinical testing. Allele origin: germline.
Comment: This sequence change replaces serine, which is neutral and polar, with leucine, which is neutral and non-polar, at codon 872 of the CEP290 protein (p.Ser872Leu). This variant is present in population databases (rs373341530, gnomAD 0.1%). This variant has not been reported in the literature in individuals affected with CEP290-related conditions. ClinVar contains an entry for this variant (Variation ID: 969581). Invitae Evidence Modeling of protein sequence and biophysical properties (such as structural, functional, and spatial information, amino acid conservation, physicochemical variation, residue mobility, and thermodynamic stability) indicates that this missense variant is not expected to disrupt CEP290 protein function with a negative predictive value of 80%. In summary, the available evidence is currently insufficient to determine the role of this variant in disease. Therefore, it has been classified as a Variant of Uncertain Significance.

GeneDx
Classification: Uncertain significance. Last evaluated: 2024-11-11. Review status: criteria provided, single submitter. Criteria: GeneDx Variant Classification Process June 2021. Collection method: clinical testing. Allele origin: germline. Affected: yes.
Comment: In silico analysis supports that this missense variant has a deleterious effect on protein structure/function; Has not been previously published as pathogenic or benign to our knowledge

Blueprint Genetics
Classification: Uncertain significance. Last evaluated: 2024-11-05. Review status: criteria provided, single submitter. Criteria: ACMG Guidelines, 2015. Collection method: clinical testing. Allele origin: germline.

Fulgent Genetics
Classification: Uncertain significance for Joubert syndrome 5; Senior-Loken syndrome 6; Meckel syndrome, type 4; Leber congenital amaurosis 10; Bardet-Biedl syndrome 14. Last evaluated: 2024-03-16. Review status: criteria provided, single submitter. Criteria: ACMG Guidelines, 2015. Collection method: clinical testing. Allele origin: germline.

Institute of Human Genetics, Univ. Regensburg, Univ. Regensburg
Classification: Uncertain significance for Optic atrophy. Last evaluated: 2022-01-01. Review status: no assertion criteria provided. Criteria: ACMG Guidelines, 2015. Collection method: clinical testing. Allele origin: germline. Affected: yes. Not counted in ClinVar's aggregate classification.

Natera, Inc.
Classification: Uncertain significance for Leber congenital amaurosis. Last evaluated: 2020-01-22. Review status: no assertion criteria provided. Collection method: clinical testing. Allele origin: germline. Not counted in ClinVar's aggregate classification.

Centre de Biologie Pathologie Génétique, Centre Hospitalier Universitaire de Lille
Classification: Likely benign for Intellectual disability. Last evaluated: 2019-01-01. Review status: no assertion criteria provided. Collection method: clinical testing. Allele origin: inherited. Affected: yes. Not counted in ClinVar's aggregate classification.

Clinical Genetics DNA and cytogenetics Diagnostics Lab, Erasmus MC, Erasmus Medical Center
Classification: Uncertain significance. Review status: no assertion criteria provided. Collection method: clinical testing. Allele origin: germline. Affected: yes. Study: VKGL Data-share Consensus. Not counted in ClinVar's aggregate classification.

Laboratory of Diagnostic Genome Analysis, Leiden University Medical Center (LUMC)
Classification: Uncertain significance. Review status: no assertion criteria provided. Collection method: clinical testing. Allele origin: germline. Affected: yes. Study: VKGL Data-share Consensus. Not counted in ClinVar's aggregate classification.

NM_025114.4(CEP290):c.2615C>T (p.Ser872Leu)

Gene: CEP290 (centrosomal protein 290; minus strand). Cytogenetic location: 12q21.32.
Variant type: single nucleotide variant.
Coding change: c.2615C>T on transcript NM_025114.4 (MANE Select); coding-DNA position 2615, C replaced by T.
Protein change: p.Ser872Leu; replaces serine 872 with leucine.
Molecular consequence: missense variant.
Genome position (GRCh38, 1-based): chr12:88,106,877, G>A on the plus strand (C>T on the coding strand, the complement: CEP290 is on the minus strand). VCF-style: chr12-88106877-G-A. GRCh37 (hg19) VCF-style: chr12-88500654-G-A.
Other names: short protein forms S872L.
Identifiers: ClinVar variation 969581 (VCV000969581.20), dbSNP rs373341530, ClinGen allele CA6712297.
Genomic context (GRCh38, chr12:88,106,877, plus strand): 5'-TTCACTTGCAAAACAGTAATTTTCCTACTATTTTCTGCAAGTATTTTTTTCATTTCATCC[G>A]AATCCATCTGAAGAGCATTGAGCAAATTCTGCACAAAGACACATCCATATTACTTGTTGA-3'
Protein context (NP_079390.3, residues 862-882): NNLLNALQMD[Ser872Leu]DEMKKILAEN